The following is an entry in ClinVar:

ClinVar aggregate classification (germline): Uncertain significance. Review status: criteria provided, multiple submitters, no conflicts (2 of 4 stars). 4 submissions from 4 submitters: Uncertain significance (4). Last evaluated 2025-11-07.

Conditions:
Mucopolysaccharidosis, MPS-III-C (MPS3C). Also called: SANFILIPPO SYNDROME C; MPS III C; mucopolysaccharidosis type 3C; MUCOPOLYSACCHARIDOSIS, TYPE IIIC; MPS IIIC (Sanfilippo Syndrome Type C); Mucopolysaccharidosis type IIIC (Sanfilippo C). Identifiers: Orphanet 581, Orphanet 79271, MedGen C0086649, MONDO:0009657, OMIM 252930.
Retinitis pigmentosa 73 (RP73). Identifiers: Orphanet 791, MedGen C4225287, MONDO:0014687, OMIM 616544.
Inborn genetic diseases. Identifiers: MedGen C0950123, MeSH D030342.
Retinitis pigmentosa (RP). Identifiers: Orphanet 791, MedGen C0035334, MeSH D012174, MONDO:0019200, OMIM 268000. Inheritance: Autosomal dominant, autosomal recessive and X linked inheritance.

gnomAD v4.1: 90 of 1,608,098 alleles (0.0056%); highest among the groups gnomAD compares: South Asian, 0.097%; no homozygotes.

Submissions (4):

Ambry Genetics
Classification: Uncertain significance for Inborn genetic diseases. Last evaluated: 2025-11-07. Review status: criteria provided, single submitter. Criteria: Ambry Variant Classification Scheme 2023. Collection method: clinical testing. Allele origin: germline.

Lab De Baere, Eye and Developmental Genetics Lab, Ghent University
Classification: Uncertain significance for Retinitis pigmentosa. Last evaluated: 2024-10-01. Review status: criteria provided, single submitter. Criteria: ACMG Guidelines, 2015. Collection method: research. Allele origin: inherited. Affected: yes. Observed: 1 variant allele.
Comment: ACMG/AMP guidelines: PM2, PP3

GeneDx
Classification: Uncertain significance. Last evaluated: 2024-09-26. Review status: criteria provided, single submitter. Criteria: GeneDx Variant Classification Process June 2021. Collection method: clinical testing. Allele origin: germline. Affected: yes.
Comment: In silico analysis supports that this missense variant has a deleterious effect on protein structure/function; Has not been previously published as pathogenic or benign to our knowledge

Labcorp Genetics (formerly Invitae), Labcorp
Classification: Uncertain significance for Retinitis pigmentosa 73; Mucopolysaccharidosis, MPS-III-C. Last evaluated: 2023-08-04. Review status: criteria provided, single submitter. Criteria: Invitae Variant Classification Sherloc (09022015). Collection method: clinical testing. Allele origin: germline.
Comment: This sequence change replaces proline, which is neutral and non-polar, with alanine, which is neutral and non-polar, at codon 575 of the HGSNAT protein (p.Pro575Ala). This variant is present in population databases (rs754143732, gnomAD 0.1%). This variant has not been reported in the literature in individuals affected with HGSNAT-related conditions. ClinVar contains an entry for this variant (Variation ID: 2155104). Advanced modeling of protein sequence and biophysical properties (such as structural, functional, and spatial information, amino acid conservation, physicochemical variation, residue mobility, and thermodynamic stability) has been performed at Invitae for this missense variant, however the output from this modeling did not meet the statistical confidence thresholds required to predict the impact of this variant on HGSNAT protein function. In summary, the available evidence is currently insufficient to determine the role of this variant in disease. Therefore, it has been classified as a Variant of Uncertain Significance.

NM_152419.3(HGSNAT):c.1723C>G (p.Pro575Ala)

Gene: HGSNAT (heparan-alpha-glucosaminide N-acetyltransferase; plus strand). Cytogenetic location: 8p11.21.
Variant type: single nucleotide variant.
Coding change: c.1723C>G on transcript NM_152419.3 (MANE Select); coding-DNA position 1723, C replaced by G.
Protein change: p.Pro575Ala; replaces proline 575 with alanine.
Molecular consequence: missense variant.
Genome position (GRCh38, 1-based): chr8:43,197,949, C>G. VCF-style: chr8-43197949-C-G. GRCh37 (hg19) VCF-style: chr8-43053092-C-G.
Other names: c.1723C>G (NM_152419.2); c.1810C>G, p.Pro604Ala (NM_001363227.2); c.1531C>G, p.Pro511Ala (NM_001363228.2); c.859C>G, p.Pro287Ala (NM_001363229.2); short protein forms P604A, P287A, P511A, P575A.
Identifiers: ClinVar variation 2155104 (VCV002155104.5), dbSNP rs754143732, ClinGen allele CA4737002.
Genomic context (GRCh38, chr8:43,197,949, plus strand): 5'-CTGGTCCTGTACCCAGTTGTGGATGTGAAGGGGCTGTGGACAGGAACCCCATTCTTTTAT[C>G]CAGGTAAGTCACCTCCAACCTCAAACAGAGCTGGGATGGTGACCAGGAGGCAGGCCCAGG-3'
Protein context (NP_689632.2, residues 565-585): GLWTGTPFFY[Pro575Ala]GMNSILVYVG